The following is an entry in ClinVar:

NM_000435.3(NOTCH3):c.1820G>A (p.Arg607His)

Gene: NOTCH3 (notch receptor 3; minus strand). Cytogenetic location: 19p13.12.
Variant type: single nucleotide variant.
Coding change: c.1820G>A on transcript NM_000435.3 (MANE Select); coding-DNA position 1820, G replaced by A.
Protein change: p.Arg607His; replaces arginine 607 with histidine.
Molecular consequence: missense variant.
Genome position (GRCh38, 1-based): chr19:15,187,125, C>T on the plus strand (G>A on the coding strand, the complement: NOTCH3 is on the minus strand). VCF-style: chr19-15187125-C-T. GRCh37 (hg19) VCF-style: chr19-15297936-C-T.
Other names: short protein forms R607H.
Identifiers: ClinVar variation 2865876 (VCV002865876.3), dbSNP rs747661515, ClinGen allele CA9263540.

ClinVar aggregate classification (germline): Uncertain significance (1 of 4 stars; one submission).

Allele frequency attached by ClinVar (database versions not stated): TOPMed 0.00002; gnomAD 0.00001.
gnomAD v4.1: 31 of 1,613,946 alleles (0.0019%); highest among the groups gnomAD compares: African/African-American, 0.004%; no homozygotes.

Submission:

Labcorp Genetics (formerly Invitae), Labcorp
Classification: Uncertain significance. Last evaluated: 2025-02-16. Review status: criteria provided, single submitter. Criteria: Invitae Variant Classification Sherloc (09022015). Collection method: clinical testing. Allele origin: germline.
Comment: This sequence change replaces arginine, which is basic and polar, with histidine, which is basic and polar, at codon 607 of the NOTCH3 protein (p.Arg607His). The frequency data for this variant in the population databases is considered unreliable, as metrics indicate poor data quality at this position in the gnomAD database. This missense change has been observed in individual(s) with CADASIL and/or clinical features of NOTCH3-related conditions (PMID: 27881154, 31996268, 34335700). ClinVar contains an entry for this variant (Variation ID: 2865876). Invitae Evidence Modeling of protein sequence and biophysical properties (such as structural, functional, and spatial information, amino acid conservation, physicochemical variation, residue mobility, and thermodynamic stability) indicates that this missense variant is not expected to disrupt NOTCH3 protein function with a negative predictive value of 95%. This variant disrupts the p.Arg607 amino acid residue in NOTCH3. Other variant(s) that disrupt this residue have been determined to be pathogenic (PMID: 15834039, 20851625, 20935329, 31554780). This suggests that this residue is clinically significant, and that variants that disrupt this residue are likely to be disease-causing. In summary, the available evidence is currently insufficient to determine the role of this variant in disease. Therefore, it has been classified as a Variant of Uncertain Significance.

Literature cited by the submitters: PubMed 27881154; PubMed 31996268; PubMed 34335700; PubMed 15834039; PubMed 20851625; PubMed 20935329; PubMed 31554780.